The following is an entry in ClinVar:

NM_001849.4(COL6A2):c.682C>G (p.Gln228Glu)

Gene: COL6A2 (collagen type VI alpha 2 chain; plus strand). Cytogenetic location: 21q22.3.
Variant type: single nucleotide variant.
Coding change: c.682C>G on transcript NM_001849.4 (MANE Select); coding-DNA position 682, C replaced by G.
Protein change: p.Gln228Glu; replaces glutamine 228 with glutamic acid.
Molecular consequence: missense variant.
Genome position (GRCh38, 1-based): chr21:46,112,545, C>G. VCF-style: chr21-46112545-C-G. GRCh37 (hg19) VCF-style: chr21-47532459-C-G.
Other names: c.682C>G, p.Gln228Glu (NM_058174.3, NM_058175.3); short protein forms Q228E.
Identifiers: ClinVar variation 4810597 (VCV004810597.1).

ClinVar aggregate classification (germline): Uncertain significance (1 of 4 stars; one submission).

Conditions:
Bethlem myopathy 1A. Also called: MYOPATHY, BENIGN CONGENITAL, WITH CONTRACTURES; Bethlem myopathy 1; Bethlem Muscular Dystrophy. Identifiers: Orphanet 610, MedGen CN029274, MONDO:0024530, OMIM 158810.

Submission:

Labcorp Genetics (formerly Invitae), Labcorp
Classification: Uncertain significance for Bethlem myopathy 1A. Last evaluated: 2025-08-10. Review status: criteria provided, single submitter. Criteria: Invitae Variant Classification Sherloc (09022015). Collection method: clinical testing. Allele origin: germline.
Comment: This sequence change replaces glutamine, which is neutral and polar, with glutamic acid, which is acidic and polar, at codon 228 of the COL6A2 protein (p.Gln228Glu). This variant is not present in population databases (gnomAD no frequency). This variant has not been reported in the literature in individuals affected with COL6A2-related conditions. Invitae Evidence Modeling of protein sequence and biophysical properties (such as structural, functional, and spatial information, amino acid conservation, physicochemical variation, residue mobility, and thermodynamic stability) indicates that this missense variant is not expected to disrupt COL6A2 protein function with a negative predictive value of 95%. In summary, the available evidence is currently insufficient to determine the role of this variant in disease. Therefore, it has been classified as a Variant of Uncertain Significance.